The following is an entry in ClinVar:

NM_030931.4(DEFB126):c.317_318del (p.Pro106fs)

Gene: DEFB126 (defensin beta 126; plus strand). Cytogenetic location: 20p13.
Variant type: Deletion.
Coding change: c.317_318del on transcript NM_030931.4 (MANE Select); coding-DNA positions 317 to 318, 2 bases deleted (CC; older notation c.317_318delCC).
Protein change: p.Pro106fs; shifts the reading frame from proline 106.
Molecular consequence: frameshift variant.
Genome position (GRCh38, 1-based): chr20:145,673-145,674, CC deleted; deleting any 2 consecutive bases within chr20:145,670-145,674 gives the same sequence; the c. name uses the placement nearest the transcript's 3' end. VCF-style (leftmost placement, unchanged base first): chr20-145669-ACC-A. GRCh37 (hg19) VCF-style: chr20-126310-ACC-A.
Other names: short protein forms P106fs.
Identifiers: ClinVar variation 402586 (VCV000402586.4), dbSNP rs11467417, ClinGen allele CA9721004.

ClinVar aggregate classification (germline): Benign (1 of 4 stars; one submission).

Submission:

Laboratory for Molecular Medicine, Mass General Brigham Personalized Medicine
Classification: Benign. Last evaluated: 2016-03-29. Review status: criteria provided, single submitter. Criteria: LMM Criteria. Collection method: clinical testing. Allele origin: germline.
Comment: Variant identified in a genome or exome case(s) and assessed due to predicted null impact of the variant or pathogenic assertions in the literature or databases. Disclaimer: This variant has not undergone full assessment. The following are preliminary notes: Frequency in ESP (all): 7088/12518=56.6%